The following is an entry in ClinVar:

NM_000235.4(LIPA):c.744C>T (p.Cys248=)

Gene: LIPA (lipase A, lysosomal acid type; minus strand). Cytogenetic location: 10q23.31.
Variant type: single nucleotide variant.
Coding change: c.744C>T on transcript NM_000235.4 (MANE Select); coding-DNA position 744, C replaced by T.
Protein change: p.Cys248=; no amino-acid change (cysteine 248 retained).
Molecular consequence: synonymous variant.
Genome position (GRCh38, 1-based): chr10:89,223,762, G>A on the plus strand (C>T on the coding strand, the complement: LIPA is on the minus strand). VCF-style: chr10-89223762-G-A. GRCh37 (hg19) VCF-style: chr10-90983519-G-A.
Other names: c.744C>T, p.Cys248= (NM_001127605.3); c.396C>T, p.Cys132= (NM_001288979.2); c.744C>T (NM_000235.2).
Identifiers: ClinVar variation 758346 (VCV000758346.16), dbSNP rs761924047, ClinGen allele CA5593625.

ClinVar aggregate classification (germline): Likely benign. Review status: criteria provided, multiple submitters, no conflicts (2 of 4 stars). 5 submissions from 5 submitters: Likely benign (5). Last evaluated 2026-01-09.

Conditions:
Lysosomal acid lipase deficiency. Also called: Acid cholesteryl ester hydrolase deficiency, type 2. Identifiers: Orphanet 275761, MedGen C5574740, MONDO:0800449, MONDO:0010204.
Wolman disease (WOLD). Also called: Infantile-Onset LAL-D (Wolman Disease); LYSOSOMAL ACID LIPASE DEFICIENCY, ACUTE INFANTILE; LYSOSOMAL ACID LIPASE DEFICIENCY, COMPLETE; LIPA DEFICIENCY, COMPLETE; LAL DEFICIENCY, COMPLETE; CHOLESTEROL ESTER HYDROLASE DEFICIENCY, COMPLETE. Identifiers: Orphanet 75233, MedGen C0043208, MONDO:0019148, OMIM 620151.
LIPA-related disorder. Also called: LIPA-related disorders; LIPA-related condition.
Cardiovascular phenotype. Identifiers: MedGen CN230736.

Allele frequency attached by ClinVar (database versions not stated): gnomAD below 0.00001 and 0.00001; gnomAD exomes 0.00001 and 0.00002; ExAC 0.00002.
gnomAD v4.1: 22 of 1,613,442 alleles (0.0014%); highest among the groups gnomAD compares: South Asian, 0.021%; no homozygotes.

Submissions (5):

Labcorp Genetics (formerly Invitae), Labcorp
Classification: Likely benign for Wolman disease. Last evaluated: 2026-01-09. Review status: criteria provided, single submitter. Criteria: Invitae Variant Classification Sherloc (09022015). Collection method: clinical testing. Allele origin: germline.

PreventionGenetics, part of Exact Sciences
Classification: Likely benign for LIPA-related condition. Last evaluated: 2025-11-06. Review status: criteria provided, single submitter. Criteria: ACMG Guidelines, 2015. Collection method: clinical testing. Allele origin: germline.
Comment: This variant is classified as likely benign based on ACMG/AMP sequence variant interpretation guidelines (Richards et al. 2015 PMID: 25741868, with internal and published modifications).

GENinCode PLC
Classification: Likely benign for Lysosomal acid lipase deficiency. Last evaluated: 2025-09-03. Review status: criteria provided, single submitter. Criteria: ACMG Guidelines, 2015. Collection method: clinical testing. Allele origin: germline.
Comment: This is a synonymous (silent) variant that is not predicted to impact splicing and occurs at a nucleotide which is not highly conserved. This variant has been classified as Likely Benign (BP4, BP7).

Ambry Genetics
Classification: Likely benign for Cardiovascular phenotype. Last evaluated: 2023-05-13. Review status: criteria provided, single submitter. Criteria: Ambry Variant Classification Scheme 2023. Collection method: clinical testing. Allele origin: germline.

Blueprint Genetics
Classification: Likely benign. Last evaluated: 2022-01-05. Review status: criteria provided, single submitter. Criteria: ACMG Guidelines, 2015. Collection method: clinical testing. Allele origin: germline.